The following is an entry in ClinVar:

NM_001378418.1(TCF20):c.5521C>A (p.Gln1841Lys)

Gene: TCF20 (transcription factor 20; minus strand). Cytogenetic location: 22q13.2.
Variant type: single nucleotide variant.
Coding change: c.5521C>A on transcript NM_001378418.1 (MANE Select); coding-DNA position 5521, C replaced by A.
Protein change: p.Gln1841Lys; replaces glutamine 1841 with lysine.
Molecular consequence: missense variant.
Genome position (GRCh38, 1-based): chr22:42,209,785, G>T on the plus strand (C>A on the coding strand, the complement: TCF20 is on the minus strand). VCF-style: chr22-42209785-G-T. GRCh37 (hg19) VCF-style: chr22-42605791-G-T.
Other names: c.5521C>A, p.Gln1841Lys (NM_005650.4, NM_181492.3); c.5521C>A (NM_005650.1); short protein forms Q1841K.
Identifiers: ClinVar variation 1676561 (VCV001676561.6), dbSNP rs2147193882, ClinGen allele CA411780640.

ClinVar aggregate classification (germline): Conflicting classifications of pathogenicity. Review status: criteria provided, conflicting classifications (1 of 4 stars). 3 submissions from 3 submitters: Likely pathogenic (1); Uncertain significance (2). Last evaluated 2025-03-18.

Conditions:
Developmental delay with variable intellectual impairment and behavioral abnormalities. Identifiers: MedGen C5193092, MONDO:0032745, OMIM 618430.

gnomAD v4.1: 2 of 1,614,184 alleles (0.00012%); highest among the groups gnomAD compares: South Asian, 0.0011%; no homozygotes.

Submissions (3):

GeneDx
Classification: Uncertain significance. Last evaluated: 2025-03-18. Review status: criteria provided, single submitter. Criteria: GeneDx Variant Classification Process June 2021. Collection method: clinical testing. Allele origin: germline. Affected: yes.
Comment: Has not been previously published as pathogenic or benign to our knowledge; Not observed at significant frequency in large population cohorts (gnomAD); In silico analysis indicates that this missense variant does not alter protein structure/function

Labcorp Genetics (formerly Invitae), Labcorp
Classification: Uncertain significance. Last evaluated: 2024-09-27. Review status: criteria provided, single submitter. Criteria: Invitae Variant Classification Sherloc (09022015). Collection method: clinical testing. Allele origin: germline.
Comment: This sequence change replaces glutamine, which is neutral and polar, with lysine, which is basic and polar, at codon 1841 of the TCF20 protein (p.Gln1841Lys). This variant is not present in population databases (gnomAD no frequency). This variant has not been reported in the literature in individuals affected with TCF20-related conditions. ClinVar contains an entry for this variant (Variation ID: 1676561). An algorithm developed to predict the effect of missense changes on protein structure and function (PolyPhen-2) suggests that this variant is likely to be tolerated. In summary, the available evidence is currently insufficient to determine the role of this variant in disease. Therefore, it has been classified as a Variant of Uncertain Significance.

Greenwood Genetic Center Diagnostic Laboratories, Greenwood Genetic Center
Classification: Likely pathogenic for Developmental delay with variable intellectual impairment and behavioral abnormalities. Last evaluated: 2022-01-27. Review status: criteria provided, single submitter. Criteria: ACMG Guidelines, 2015. Collection method: clinical testing. Allele origin: germline. Affected: yes.
Comment: PS2, PM2